The following is an entry in ClinVar:

NM_001244008.2(KIF1A):c.1365G>C (p.Glu455Asp)

Gene: KIF1A (kinesin family member 1A; minus strand). Cytogenetic location: 2q37.3.
Variant type: single nucleotide variant.
Coding change: c.1365G>C on transcript NM_001244008.2 (MANE Select); coding-DNA position 1365, G replaced by C.
Protein change: p.Glu455Asp; replaces glutamic acid 455 with aspartic acid.
Molecular consequence: missense variant.
Genome position (GRCh38, 1-based): chr2:240,769,683, C>G on the plus strand (G>C on the coding strand, the complement: KIF1A is on the minus strand). VCF-style: chr2-240769683-C-G. GRCh37 (hg19) VCF-style: chr2-241709100-C-G.
Other names: c.1365G>C, p.Glu455Asp (NM_001320705.2, NM_001330289.2, NM_001379638.1); c.1440G>C, p.Glu480Asp (NM_001330290.2, NM_001379631.1, NM_001379634.1 and 2 more transcripts); c.1338G>C, p.Glu446Asp (NM_001379632.1, NM_001379633.1, NM_001379636.1 and 11 more transcripts); c.1413G>C, p.Glu471Asp (NM_001379637.1, NM_001379648.1); short protein forms E446D, E455D, E471D, E480D.
Identifiers: ClinVar variation 1718584 (VCV001718584.6), dbSNP rs2051691503, ClinGen allele CA351329918.

ClinVar aggregate classification (germline): Uncertain significance (1 of 4 stars; one submission).

Conditions:
Hereditary spastic paraplegia 30. Identifiers: Orphanet 101010, MedGen C5235139, MONDO:0012476.
Neuropathy, hereditary sensory, type 2C. Also called: Hereditary sensory and autonomic neuropathy type IIC; KIF1A-Related HSAN2 (HSAN2C). Identifiers: Orphanet 970, MedGen C3280168, MONDO:0013634, OMIM 614213.
Intellectual disability, autosomal dominant 9 (NESCAVS). Also called: NESCAV SYNDROME; KIF1A-Related Neurodevelopmental Disorder. Identifiers: Orphanet 662367, MedGen C5393830, MONDO:0013656, OMIM 614255.

gnomAD v4.1: 2 of 1,613,616 alleles (0.00012%); highest among the groups gnomAD compares: Middle Eastern, 0.017%; no homozygotes.

Submission:

Labcorp Genetics (formerly Invitae), Labcorp
Classification: Uncertain significance for Hereditary spastic paraplegia 30; Neuropathy, hereditary sensory, type 2C; Intellectual disability, autosomal dominant 9. Last evaluated: 2022-09-01. Review status: criteria provided, single submitter. Criteria: Invitae Variant Classification Sherloc (09022015). Collection method: clinical testing. Allele origin: germline.
Comment: This sequence change replaces glutamic acid, which is acidic and polar, with aspartic acid, which is acidic and polar, at codon 446 of the KIF1A protein (p.Glu446Asp). This variant is not present in population databases (gnomAD no frequency). This variant has not been reported in the literature in individuals affected with KIF1A-related conditions. Advanced modeling of protein sequence and biophysical properties (such as structural, functional, and spatial information, amino acid conservation, physicochemical variation, residue mobility, and thermodynamic stability) performed at Invitae indicates that this missense variant is not expected to disrupt KIF1A protein function. In summary, the available evidence is currently insufficient to determine the role of this variant in disease. Therefore, it has been classified as a Variant of Uncertain Significance.